The following is an entry in ClinVar:

NM_000138.5(FBN1):c.6314-64A>G

Gene: FBN1 (fibrillin 1; minus strand). Cytogenetic location: 15q21.1.
Variant type: single nucleotide variant.
Coding change: c.6314-64A>G on transcript NM_000138.5 (MANE Select); 64 bases into the intron before coding-DNA position 6314, A replaced by G.
Molecular consequence: intron variant.
Genome position (GRCh38, 1-based): chr15:48,437,451, T>C on the plus strand (A>G on the coding strand, the complement: FBN1 is on the minus strand). VCF-style: chr15-48437451-T-C. GRCh37 (hg19) VCF-style: chr15-48729648-T-C.
Identifiers: ClinVar variation 1276333 (VCV001276333.4), dbSNP rs2042746, ClinGen allele CA269526613.

ClinVar aggregate classification (germline): Benign. Review status: criteria provided, multiple submitters, no conflicts (2 of 4 stars). 3 submissions from 3 submitters: Benign (3). Last evaluated 2024-01-24.

Allele frequency attached by ClinVar (database versions not stated): gnomAD exomes 0.88283; gnomAD 0.89679 and 0.89894; ESP Exome Variant Server 0.90084; TOPMed 0.90795; 1000 Genomes Project 30x 0.92708; 1000 Genomes Project 0.93011.
gnomAD v4.1: 1,224,190 of 1,383,174 alleles (89%); highest among the groups gnomAD compares: East Asian, 97%; 542,854 homozygotes.

Submissions (3):

Unidad de Genómica Garrahan, Hospital de Pediatría Garrahan
Classification: Benign. Last evaluated: 2024-01-24. Review status: criteria provided, single submitter. Criteria: ACMG Guidelines, 2015. Collection method: clinical testing. Allele origin: germline. Affected: no. Observed: 86 variant alleles.
Comment: This variant is classified as Benign based on local population frequency. This variant was detected in 98% of patients studied by a panel of primary immunodeficiencies. Number of patients: 86. Only high quality variants are reported.

GeneDx
Classification: Benign. Last evaluated: 2015-03-03. Review status: criteria provided, single submitter. Criteria: GeneDx Variant Classification Process June 2021. Collection method: clinical testing. Allele origin: germline. Affected: yes.

Breakthrough Genomics
Classification: Benign. Review status: criteria provided, single submitter. Criteria: ACMG Guidelines, 2015. Collection method: not provided. Allele origin: germline. Inheritance: Autosomal dominant inheritance. Affected: yes.